The following is an entry in ClinVar:

ClinVar aggregate classification (germline): Uncertain significance. Review status: criteria provided, multiple submitters, no conflicts (2 of 4 stars). 2 submissions from 2 submitters: Uncertain significance (2). Last evaluated 2024-09-18.

Conditions:
Hereditary cancer-predisposing syndrome. Also called: Hereditary Cancer Syndrome; Hereditary neoplastic syndrome; Tumor predisposition; Neoplastic Syndromes, Hereditary. Identifiers: Orphanet 140162, MedGen C0027672, MeSH D009386, MONDO:0015356.
Cardiovascular phenotype. Identifiers: MedGen CN230736.

Submissions (2):

Ambry Genetics
Classification: Uncertain significance for Cardiovascular phenotype; Hereditary cancer-predisposing syndrome. Last evaluated: 2024-09-18. Review status: criteria provided, single submitter. Criteria: Ambry Variant Classification Scheme 2023. Collection method: clinical testing. Allele origin: germline.
Comment: The p.F369L variant (also known as c.1107T>G), located in coding exon 10 of the LZTR1 gene, results from a T to G substitution at nucleotide position 1107. The phenylalanine at codon 369 is replaced by leucine, an amino acid with highly similar properties. This amino acid position is conserved. In addition, this alteration is predicted to be tolerated by in silico analysis. Based on the available evidence, the clinical significance of this variant remains unclear.

Labcorp Genetics (formerly Invitae), Labcorp
Classification: Uncertain significance. Last evaluated: 2024-03-29. Review status: criteria provided, single submitter. Criteria: Invitae Variant Classification Sherloc (09022015). Collection method: clinical testing. Allele origin: germline.
Comment: This sequence change replaces phenylalanine, which is neutral and non-polar, with leucine, which is neutral and non-polar, at codon 369 of the LZTR1 protein (p.Phe369Leu). This variant is not present in population databases (gnomAD no frequency). This variant has not been reported in the literature in individuals affected with LZTR1-related conditions. Advanced modeling of protein sequence and biophysical properties (such as structural, functional, and spatial information, amino acid conservation, physicochemical variation, residue mobility, and thermodynamic stability) performed at Invitae indicates that this missense variant is not expected to disrupt LZTR1 protein function with a negative predictive value of 80%. In summary, the available evidence is currently insufficient to determine the role of this variant in disease. Therefore, it has been classified as a Variant of Uncertain Significance.

NM_006767.4(LZTR1):c.1107T>G (p.Phe369Leu)

Gene: LZTR1 (leucine zipper like post translational regulator 1; plus strand). Cytogenetic location: 22q11.21.
Variant type: single nucleotide variant.
Coding change: c.1107T>G on transcript NM_006767.4 (MANE Select); coding-DNA position 1107, T replaced by G.
Protein change: p.Phe369Leu; replaces phenylalanine 369 with leucine.
Molecular consequence: missense variant.
Genome position (GRCh38, 1-based): chr22:20,992,327, T>G. VCF-style: chr22-20992327-T-G. GRCh37 (hg19) VCF-style: chr22-21346616-T-G.
Other names: short protein forms F369L.
Identifiers: ClinVar variation 3541497 (VCV003541497.3).
Genomic context (GRCh38, chr22:20,992,327, plus strand): 5'-CCTGACCTATGAGGAGCGGGTTGGCTTCAAGAAGTCCCGAGATGTGTTTGGCCTGGACTT[T>G]GGCACCACCTCAGCCAAGCAGCCCACCCAGCCTGCCTCGGAGGTACAGGCTGGGATCCTC-3'
Protein context (NP_006758.2, residues 359-379): KKSRDVFGLD[Phe369Leu]GTTSAKQPTQ